The following is an entry in ClinVar:

NM_001904.4(CTNNB1):c.1072delinsCGA (p.Val358fs)

Gene: CTNNB1 (catenin beta 1; plus strand). Cytogenetic location: 3p22.1.
Variant type: Indel.
Coding change: c.1072delinsCGA on transcript NM_001904.4 (MANE Select); coding-DNA position 1072, G replaced by CGA.
Protein change: p.Val358fs; shifts the reading frame from valine 358.
Molecular consequence: frameshift variant.
Genome position (GRCh38, 1-based): chr3:41,227,343, G replaced by CGA. VCF-style: chr3-41227343-G-CGA. GRCh37 (hg19) VCF-style: chr3-41268834-G-CGA.
Other names: c.1072delinsCGA, p.Val358fs (NM_001098209.2, NM_001098210.2, NM_001438871.1 and 4 more transcripts); c.1051delinsCGA, p.Val351fs (NM_001330729.2); short protein forms V351fs, V358fs.
Identifiers: ClinVar variation 4880696 (VCV004880696.2).

ClinVar aggregate classification (germline): Likely pathogenic (1 of 4 stars; one submission).

Conditions:
Severe intellectual disability-progressive spastic diplegia syndrome (NEDSDV). Also called: NEURODEVELOPMENTAL DISORDER WITH SPASTIC DIPLEGIA AND VISUAL DEFECTS; CTNNB1 Neurodevelopmental Disorder. Identifiers: Orphanet 404473, MedGen C3554449, MONDO:0014035, OMIM 615075.

Submission:

Dasa
Classification: Likely pathogenic for Severe intellectual disability-progressive spastic diplegia syndrome. Last evaluated: 2025-05-25. Review status: criteria provided, single submitter. Criteria: DASA Assertion Criteria. Collection method: clinical testing. Allele origin: germline.
Comment: NM_001904.4(CTNNB1):c.1072delinsCGA (p.Val358Argfs*2) is a frameshift variant in CTNNB1 predicted to alter the reading frame and introduce a premature termination codon and is predicted to result in an absent or altered protein product. Loss of function is an established disease mechanism for CTNNB1 (PMID: 27915094; PMID: 23033978; PMID: 25326669). Also, this variant is absent from population databases. Based on the currently available evidence, this variant is classified as likely pathogenic.

Literature cited by the submitters: PubMed 27915094; PubMed 23033978; PubMed 25326669.